The following is an entry in ClinVar:

NM_003024.3(ITSN1):c.884T>C (p.Leu295Pro)

Gene: ITSN1 (intersectin 1; plus strand). Cytogenetic location: 21q22.11.
Variant type: single nucleotide variant.
Coding change: c.884T>C on transcript NM_003024.3 (MANE Select); coding-DNA position 884, T replaced by C.
Protein change: p.Leu295Pro; replaces leucine 295 with proline.
Molecular consequence: missense variant.
Genome position (GRCh38, 1-based): chr21:33,765,970, T>C. VCF-style: chr21-33765970-T-C. GRCh37 (hg19) VCF-style: chr21-35138274-T-C.
Other names: c.884T>C, p.Leu295Pro (NM_001001132.2, NM_001331008.2, NM_001331009.2 and 2 more transcripts); c.773T>C, p.Leu258Pro (NM_001331012.2); short protein forms L258P, L295P.
Identifiers: ClinVar variation 3381298 (VCV003381298.1).

ClinVar aggregate classification (germline): Uncertain significance (1 of 4 stars; one submission).

Submission:

GeneDx
Classification: Uncertain significance. Last evaluated: 2024-05-24. Review status: criteria provided, single submitter. Criteria: GeneDx Variant Classification Process June 2021. Collection method: clinical testing. Allele origin: germline. Affected: yes.
Comment: Not observed at significant frequency in large population cohorts (gnomAD); In silico analysis supports that this missense variant has a deleterious effect on protein structure/function; Has not been previously published as pathogenic or benign to our knowledge